The following is an entry in ClinVar:

NM_025137.4(SPG11):c.6067A>G (p.Ile2023Val)

Gene: SPG11 (SPG11 vesicle trafficking associated, spatacsin; minus strand). Cytogenetic location: 15q21.1.
Variant type: single nucleotide variant.
Coding change: c.6067A>G on transcript NM_025137.4 (MANE Select); coding-DNA position 6067, A replaced by G.
Protein change: p.Ile2023Val; replaces isoleucine 2023 with valine.
Molecular consequence: missense variant. On other transcripts: intron variant (1).
Genome position (GRCh38, 1-based): chr15:44,573,685, T>C on the plus strand (A>G on the coding strand, the complement: SPG11 is on the minus strand). VCF-style: chr15-44573685-T-C. GRCh37 (hg19) VCF-style: chr15-44865883-T-C.
Other names: c.5867-865A>G (NM_001160227.2); short protein forms I2023V.
Identifiers: ClinVar variation 1039347 (VCV001039347.6), dbSNP rs981262919, ClinGen allele CA270069854.

ClinVar aggregate classification (germline): Uncertain significance (1 of 4 stars; one submission).

Conditions:
Hereditary spastic paraplegia 11. Also called: Spastic paraplegia, mental retardation and thin corpus callosum; SPASTIC PARAPLEGIA, AUTOSOMAL RECESSIVE, COMPLICATED, WITH THIN CORPUS CALLOSUM; SPASTIC PARAPLEGIA, AUTOSOMAL RECESSIVE, WITH MENTAL IMPAIRMENT AND THIN CORPUS CALLOSUM; Spastic Paraplegia 11; Nakamura Osame syndrome; Autosomal recessive hereditary spastic paraplegia, mental impairment, and thin corpus callosum. Identifiers: Orphanet 2822, MedGen C1858479, MONDO:0011445, OMIM 604360.

Allele frequency attached by ClinVar (database versions not stated): gnomAD exomes 0.00001 and 0.00002.
gnomAD v4.1: 27 of 1,614,160 alleles (0.0017%); highest among the groups gnomAD compares: Non-Finnish European, 0.0023%; no homozygotes.

Submission:

Labcorp Genetics (formerly Invitae), Labcorp
Classification: Uncertain significance for Hereditary spastic paraplegia 11. Last evaluated: 2022-06-01. Review status: criteria provided, single submitter. Criteria: Invitae Variant Classification Sherloc (09022015). Collection method: clinical testing. Allele origin: germline.
Comment: This sequence change replaces isoleucine, which is neutral and non-polar, with valine, which is neutral and non-polar, at codon 2023 of the SPG11 protein (p.Ile2023Val). This variant is present in population databases (no rsID available, gnomAD 0.003%). This variant has not been reported in the literature in individuals affected with SPG11-related conditions. ClinVar contains an entry for this variant (Variation ID: 1039347). Algorithms developed to predict the effect of missense changes on protein structure and function output the following: SIFT: "Tolerated"; PolyPhen-2: "Benign"; Align-GVGD: "Class C0". The valine amino acid residue is found in multiple mammalian species, which suggests that this missense change does not adversely affect protein function. In summary, the available evidence is currently insufficient to determine the role of this variant in disease. Therefore, it has been classified as a Variant of Uncertain Significance.